The following is an entry in ClinVar:

ClinVar aggregate classification (germline): Uncertain significance (1 of 4 stars; one submission).

Conditions:
Charcot-Marie-Tooth disease type 4. Also called: Charcot-Marie-Tooth disease, type IV; Charcot-Marie-Tooth, Type 4. Identifiers: Orphanet 64749, MedGen C4082197, MONDO:0018995.

Allele frequency attached by ClinVar (database versions not stated): gnomAD exomes below 0.00001.
gnomAD v4.1: 2 of 1,561,210 alleles (0.00013%); highest among the groups gnomAD compares: Non-Finnish European, 0.00017%; no homozygotes.

Submission:

Labcorp Genetics (formerly Invitae), Labcorp
Classification: Uncertain significance for Charcot-Marie-Tooth disease type 4. Last evaluated: 2020-12-29. Review status: criteria provided, single submitter. Criteria: Invitae Variant Classification Sherloc (09022015). Collection method: clinical testing. Allele origin: germline.
Comment: This sequence change replaces glutamic acid with aspartic acid at codon 8 of the MTMR2 protein (p.Glu8Asp). The glutamic acid residue is weakly conserved and there is a small physicochemical difference between glutamic acid and aspartic acid. This variant is not present in population databases (ExAC no frequency). This variant has not been reported in the literature in individuals with MTMR2-related conditions. Advanced modeling of protein sequence and biophysical properties (such as structural, functional, and spatial information, amino acid conservation, physicochemical variation, residue mobility, and thermodynamic stability) performed at Invitae indicates that this missense variant is not expected to disrupt MTMR2 protein function. In summary, the available evidence is currently insufficient to determine the role of this variant in disease. Therefore, it has been classified as a Variant of Uncertain Significance.

NM_016156.6(MTMR2):c.24G>C (p.Glu8Asp)

Gene: MTMR2 (myotubularin related protein 2; minus strand). Cytogenetic location: 11q21.
Variant type: single nucleotide variant.
Coding change: c.24G>C on transcript NM_016156.6 (MANE Select); coding-DNA position 24, G replaced by C.
Protein change: p.Glu8Asp; replaces glutamic acid 8 with aspartic acid.
Molecular consequence: missense variant. On other transcripts: 5 prime UTR variant (3).
Genome position (GRCh38, 1-based): chr11:95,923,931, C>G on the plus strand (G>C on the coding strand, the complement: MTMR2 is on the minus strand). VCF-style: chr11-95923931-C-G. GRCh37 (hg19) VCF-style: chr11-95657095-C-G.
Other names: c.-460G>C (NM_001243571.2); c.-387G>C (NM_201278.3); c.-264G>C (NM_201281.3); short protein forms E8D.
Identifiers: ClinVar variation 1400944 (VCV001400944.8), dbSNP rs2135659936, ClinGen allele CA382416566.
Genomic context (GRCh38, chr11:95,923,931, plus strand): 5'-TTACCTGGACAAGGAGTCCACGCTGGGCGGCCGAGCCGCCGCCGGCTGGGAGCCAAGACT[C>G]TCGCAGCTCGAGCTCTTCTCCATCGCGCGGCAGGGGCAGCACAGGGAAAGGCTGAAGCAG-3'
Protein context (NP_057240.3, residues 1-18): MEKSSSC[Glu8Asp]SLGSQPAAAR